The following is an entry in ClinVar:

ClinVar aggregate classification (germline): Pathogenic (1 of 4 stars; one submission).

Submission:

GeneDx
Classification: Pathogenic. Last evaluated: 2025-01-06. Review status: criteria provided, single submitter. Criteria: GeneDx Variant Classification Process June 2021. Collection method: clinical testing. Allele origin: germline. Affected: yes.
Comment: Not observed at significant frequency in large population cohorts (gnomAD); In silico analysis supports that this missense variant has a deleterious effect on protein structure/function; Has not been previously published as pathogenic or benign to our knowledge

NM_003070.5(SMARCA2):c.3382G>C (p.Ala1128Pro)

Gene: SMARCA2 (SWI/SNF related BAF chromatin remodeling complex subunit ATPase 2; plus strand). Cytogenetic location: 9p24.3.
Variant type: single nucleotide variant.
Coding change: c.3382G>C on transcript NM_003070.5 (MANE Select); coding-DNA position 3382, G replaced by C.
Protein change: p.Ala1128Pro; replaces alanine 1128 with proline.
Molecular consequence: missense variant.
Genome position (GRCh38, 1-based): chr9:2,110,343, G>C. VCF-style: chr9-2110343-G-C. GRCh37 (hg19) VCF-style: chr9-2110343-G-C.
Other names: c.3382G>C, p.Ala1128Pro (NM_001289396.2, NM_139045.4); c.3208G>C, p.Ala1070Pro (NM_001289397.2); short protein forms A1070P, A1128P.
Identifiers: ClinVar variation 4056864 (VCV004056864.1).